The following is an entry in ClinVar:

ClinVar aggregate classification (germline): Uncertain significance (1 of 4 stars; one submission).

Conditions:
Dilated cardiomyopathy 1AA (CMD1AA). Also called: CARDIOMYOPATHY, DILATED, 1AA, WITH OR WITHOUT LEFT VENTRICULAR NONCOMPACTION; Cardiomyopathy, dilated, 1AA, with or without LVNC; CARDIOMYOPATHY, FAMILIAL HYPERTROPHIC, 23, WITH OR WITHOUT LEFT VENTRICULAR NONCOMPACTION. Identifiers: Orphanet 154, MedGen C2677338, MONDO:0012808, OMIM 612158.
Primary familial hypertrophic cardiomyopathy (HCM). Identifiers: Orphanet 99739, MedGen C0949658, MeSH D024741, MONDO:0024573. Inheritance: Various modes of inheritance.

Allele frequency attached by ClinVar (database versions not stated): gnomAD exomes below 0.00001.
gnomAD v4.1: 1 of 1,613,884 alleles (0.000062%); highest among the groups gnomAD compares: Non-Finnish European, 0.000085%; no homozygotes.

Submission:

Labcorp Genetics (formerly Invitae), Labcorp
Classification: Uncertain significance for Primary familial hypertrophic cardiomyopathy; Dilated cardiomyopathy 1AA. Last evaluated: 2021-12-02. Review status: criteria provided, single submitter. Criteria: Invitae Variant Classification Sherloc (09022015). Collection method: clinical testing. Allele origin: germline.
Comment: This variant is not present in population databases (gnomAD no frequency). This sequence change replaces arginine, which is basic and polar, with lysine, which is basic and polar, at codon 500 of the ACTN2 protein (p.Arg500Lys). This variant has not been reported in the literature in individuals affected with ACTN2-related conditions. Advanced modeling of protein sequence and biophysical properties (such as structural, functional, and spatial information, amino acid conservation, physicochemical variation, residue mobility, and thermodynamic stability) performed at Invitae indicates that this missense variant is not expected to disrupt ACTN2 protein function. In summary, the available evidence is currently insufficient to determine the role of this variant in disease. Therefore, it has been classified as a Variant of Uncertain Significance.

NM_001103.4(ACTN2):c.1499G>A (p.Arg500Lys)

Gene: ACTN2 (actinin alpha 2; plus strand). Cytogenetic location: 1q43.
Variant type: single nucleotide variant.
Coding change: c.1499G>A on transcript NM_001103.4 (MANE Select); coding-DNA position 1499, G replaced by A.
Protein change: p.Arg500Lys; replaces arginine 500 with lysine.
Molecular consequence: missense variant.
Genome position (GRCh38, 1-based): chr1:236,747,759, G>A. VCF-style: chr1-236747759-G-A. GRCh37 (hg19) VCF-style: chr1-236911059-G-A.
Other names: c.1499G>A, p.Arg500Lys (NM_001278343.2); c.875G>A, p.Arg292Lys (NM_001278344.2); c.749G>A, p.Arg250Lys (NM_001412150.1); short protein forms R250K, R500K, R292K.
Identifiers: ClinVar variation 2024880 (VCV002024880.4), dbSNP rs2527623903, ClinGen allele CA345384189.